The following is an entry in ClinVar:

NM_001365999.1(SZT2):c.7910A>G (p.Asp2637Gly)

Gene: SZT2 (SZT2 subunit of KICSTOR complex; plus strand). Cytogenetic location: 1p34.2.
Variant type: single nucleotide variant.
Coding change: c.7910A>G on transcript NM_001365999.1 (MANE Select); coding-DNA position 7910, A replaced by G.
Protein change: p.Asp2637Gly; replaces aspartic acid 2637 with glycine.
Molecular consequence: missense variant.
Genome position (GRCh38, 1-based): chr1:43,442,304, A>G. VCF-style: chr1-43442304-A-G. GRCh37 (hg19) VCF-style: chr1-43907975-A-G.
Other names: c.7739A>G, p.Asp2580Gly (NM_015284.4); short protein forms D2637G, D2580G.
Identifiers: ClinVar variation 3631977 (VCV003631977.2).

ClinVar aggregate classification (germline): Uncertain significance (1 of 4 stars; one submission).

gnomAD v4.1: 2 of 1,613,890 alleles (0.00012%); highest among the groups gnomAD compares: Non-Finnish European, 0.00017%; no homozygotes.

Submission:

Labcorp Genetics (formerly Invitae), Labcorp
Classification: Uncertain significance. Last evaluated: 2024-10-08. Review status: criteria provided, single submitter. Criteria: Invitae Variant Classification Sherloc (09022015). Collection method: clinical testing. Allele origin: germline.
Comment: This sequence change replaces aspartic acid, which is acidic and polar, with glycine, which is neutral and non-polar, at codon 2580 of the SZT2 protein (p.Asp2580Gly). This variant is present in population databases (rs774596486, gnomAD 0.002%). This variant has not been reported in the literature in individuals affected with SZT2-related conditions. An algorithm developed to predict the effect of missense changes on protein structure and function (PolyPhen-2) suggests that this variant is likely to be disruptive. In summary, the available evidence is currently insufficient to determine the role of this variant in disease. Therefore, it has been classified as a Variant of Uncertain Significance.